The following is an entry in ClinVar:

NM_000053.4(ATP7B):c.1286-256T>C

Gene: ATP7B (ATPase copper transporting beta; minus strand). Cytogenetic location: 13q14.3.
Variant type: single nucleotide variant.
Coding change: c.1286-256T>C on transcript NM_000053.4 (MANE Select); 256 bases into the intron before coding-DNA position 1286, T replaced by C.
Molecular consequence: intron variant.
Genome position (GRCh38, 1-based): chr13:51,971,005, A>G on the plus strand (T>C on the coding strand, the complement: ATP7B is on the minus strand). VCF-style: chr13-51971005-A-G. GRCh37 (hg19) VCF-style: chr13-52545141-A-G.
Other names: c.953-256T>C (NM_001243182.2); c.1286-256T>C (NM_001005918.3, NM_001330579.2, NM_001330578.2).
Identifiers: ClinVar variation 680480 (VCV000680480.1), dbSNP rs3825527, ClinGen allele CA13918460.
Genomic context (GRCh38, chr13:51,971,005, plus strand): 5'-GGTTCTTCCCATTGCCTATTTGGATTTCCAGCTCTCTAATACCTTTGTAAATAGTTCTCT[A>G]TATTAAATCCTTCCACTGAGCTACCCCGTAACTTCACCTTATCTTTCATTTCCTTCAGGA-3'

ClinVar aggregate classification (germline): Benign (1 of 4 stars; one submission).

Allele frequency attached by ClinVar (database versions not stated): 1000 Genomes Project 30x 0.37492; 1000 Genomes Project 0.37800; TOPMed 0.39355; gnomAD 0.40531 and 0.40656.
gnomAD v4.1: 61,874 of 151,958 alleles (41%); highest among the groups gnomAD compares: Middle Eastern, 49%; 13,505 homozygotes.

Submission:

GeneDx
Classification: Benign. Last evaluated: 2018-06-14. Review status: criteria provided, single submitter. Criteria: GeneDx Variant Classification (06012015). Collection method: clinical testing. Allele origin: germline. Affected: yes.
Comment: This variant is considered likely benign or benign based on one or more of the following criteria: it is a conservative change, it occurs at a poorly conserved position in the protein, it is predicted to be benign by multiple in silico algorithms, and/or has population frequency not consistent with disease.